The following is an entry in ClinVar:

ClinVar aggregate classification (germline): Benign (0 of 4 stars; one submission).

Conditions:
PER3-related disorder. Also called: PER3-related condition.

Submission:

PreventionGenetics, part of Exact Sciences
Classification: Benign for PER3-related condition. Last evaluated: 2019-10-28. Review status: no assertion criteria provided. Collection method: clinical testing. Allele origin: germline.
Comment: This variant is classified as benign based on ACMG/AMP sequence variant interpretation guidelines (Richards et al. 2015 PMID: 25741868, with internal and published modifications).

NM_001377275.1(PER3):c.3550-5dup

Gene: PER3 (period circadian regulator 3; plus strand). Cytogenetic location: 1p36.23.
Variant type: Duplication.
Coding change: c.3550-5dup on transcript NM_001377275.1 (MANE Select); 5 bases into the intron before coding-DNA position 3550, one base duplicated (T; older notation c.3550-5dupT).
Molecular consequence: intron variant.
Genome position (GRCh38, 1-based): chr1:7,842,667, T duplicated; the last of 6 consecutive T bases (chr1:7,842,662-7,842,667); duplicating any one gives the same sequence. VCF-style (leftmost placement, unchanged base first): chr1-7842661-C-CT. GRCh37 (hg19) VCF-style: chr1-7902721-C-CT.
Other names: c.3493-5dup (NM_001289861.2); c.3472-5dup (NM_001289863.3); c.2590-5dup (NM_001289864.3); c.3523-5dup (NM_016831.4); c.3526-5dup (NM_001377276.1); c.3550-5dup (NM_001289862.2).
Identifiers: ClinVar variation 3034182 (VCV003034182.2), dbSNP rs555771796, ClinGen allele CA568815.